The following is an entry in ClinVar:

ClinVar aggregate classification (germline): Uncertain significance. Review status: criteria provided, multiple submitters, no conflicts (2 of 4 stars). 2 submissions from 2 submitters: Uncertain significance (2). Last evaluated 2025-06-18.

Allele frequency attached by ClinVar (database versions not stated): gnomAD exomes below 0.00001 and 0.00002; ExAC 0.00001; TOPMed 0.00002.
gnomAD v4.1: 34 of 1,614,010 alleles (0.0021%); highest among the groups gnomAD compares: Non-Finnish European, 0.0027%; no homozygotes.

Submissions (2):

Ambry Genetics
Classification: Uncertain significance. Last evaluated: 2025-06-18. Review status: criteria provided, single submitter. Criteria: Ambry Variant Classification Scheme 2023. Collection method: clinical testing. Allele origin: germline.

Labcorp Genetics (formerly Invitae), Labcorp
Classification: Uncertain significance. Last evaluated: 2020-12-14. Review status: criteria provided, single submitter. Criteria: Invitae Variant Classification Sherloc (09022015). Collection method: clinical testing. Allele origin: germline.
Comment: Algorithms developed to predict the effect of missense changes on protein structure and function (SIFT, PolyPhen-2, Align-GVGD) all suggest that this variant is likely to be disruptive, but these predictions have not been confirmed by published functional studies and their clinical significance is uncertain. In summary, the available evidence is currently insufficient to determine the role of this variant in disease. Therefore, it has been classified as a Variant of Uncertain Significance. This variant has not been reported in the literature in individuals with PITPNM3-related conditions. This variant is present in population databases (rs768793848, ExAC 0.002%). This sequence change replaces cysteine with serine at codon 183 of the PITPNM3 protein (p.Cys183Ser). The cysteine residue is highly conserved and there is a moderate physicochemical difference between cysteine and serine.

NM_031220.4(PITPNM3):c.548G>C (p.Cys183Ser)

Gene: PITPNM3 (PITPNM family member 3; minus strand). Cytogenetic location: 17p13.2.
Variant type: single nucleotide variant.
Coding change: c.548G>C on transcript NM_031220.4 (MANE Select); coding-DNA position 548, G replaced by C.
Protein change: p.Cys183Ser; replaces cysteine 183 with serine.
Molecular consequence: missense variant.
Genome position (GRCh38, 1-based): chr17:6,483,556, C>G on the plus strand (G>C on the coding strand, the complement: PITPNM3 is on the minus strand). VCF-style: chr17-6483556-C-G. GRCh37 (hg19) VCF-style: chr17-6386876-C-G.
Other names: c.440G>C, p.Cys147Ser (NM_001165966.2); c.548G>C (NM_031220.3); short protein forms C183S, C147S.
Identifiers: ClinVar variation 1488852 (VCV001488852.9), dbSNP rs768793848, ClinGen allele CA8329800.